The following is an entry in ClinVar:

ClinVar aggregate classification (germline): Uncertain significance (1 of 4 stars; one submission).

Conditions:
LAMA2-related muscular dystrophy (LAMA2-RD). Also called: Laminin alpha 2-related dystrophy. Identifiers: MedGen C5679788, MONDO:0100228.

Allele frequency attached by ClinVar (database versions not stated): gnomAD exomes below 0.00001 and 0.00001; TOPMed 0.00002.
gnomAD v4.1: 8 of 1,614,054 alleles (0.0005%); highest among the groups gnomAD compares: Admixed American, 0.0017%; no homozygotes.

Submission:

Labcorp Genetics (formerly Invitae), Labcorp
Classification: Uncertain significance for LAMA2-related muscular dystrophy. Last evaluated: 2021-09-01. Review status: criteria provided, single submitter. Criteria: Invitae Variant Classification Sherloc (09022015). Collection method: clinical testing. Allele origin: germline.
Comment: This sequence change replaces isoleucine with threonine at codon 2789 of the LAMA2 protein (p.Ile2789Thr). The isoleucine residue is moderately conserved and there is a moderate physicochemical difference between isoleucine and threonine. This variant is not present in population databases (ExAC no frequency). This variant has not been reported in the literature in individuals affected with LAMA2-related conditions. Algorithms developed to predict the effect of missense changes on protein structure and function are either unavailable or do not agree on the potential impact of this missense change (SIFT: "Deleterious"; PolyPhen-2: "Probably Damaging"; Align-GVGD: "Class C0"). In summary, the available evidence is currently insufficient to determine the role of this variant in disease. Therefore, it has been classified as a Variant of Uncertain Significance.

NM_000426.4(LAMA2):c.8366T>C (p.Ile2789Thr)

Gene: LAMA2 (laminin subunit alpha 2; plus strand). Cytogenetic location: 6q22.33.
Variant type: single nucleotide variant.
Coding change: c.8366T>C on transcript NM_000426.4 (MANE Select); coding-DNA position 8366, T replaced by C.
Protein change: p.Ile2789Thr; replaces isoleucine 2789 with threonine.
Molecular consequence: missense variant.
Genome position (GRCh38, 1-based): chr6:129,503,099, T>C. VCF-style: chr6-129503099-T-C. GRCh37 (hg19) VCF-style: chr6-129824244-T-C.
Other names: c.8354T>C, p.Ile2785Thr (NM_001079823.2); short protein forms I2785T, I2789T.
Identifiers: ClinVar variation 960121 (VCV000960121.7), dbSNP rs1483869653, ClinGen allele CA365633975.